The following is an entry in ClinVar:

ClinVar aggregate classification (germline): Uncertain significance (1 of 4 stars; one submission).

Conditions:
Hereditary spastic paraplegia 11. Also called: Spastic Paraplegia 11; SPASTIC PARAPLEGIA, AUTOSOMAL RECESSIVE, COMPLICATED, WITH THIN CORPUS CALLOSUM; SPASTIC PARAPLEGIA, AUTOSOMAL RECESSIVE, WITH MENTAL IMPAIRMENT AND THIN CORPUS CALLOSUM; Spastic paraplegia, mental retardation and thin corpus callosum; Nakamura Osame syndrome; Autosomal recessive hereditary spastic paraplegia, mental impairment, and thin corpus callosum. Identifiers: Orphanet 2822, MedGen C1858479, MONDO:0011445, OMIM 604360.

Allele frequency attached by ClinVar (database versions not stated): gnomAD exomes 0.00001.
gnomAD v4.1: 3 of 1,614,038 alleles (0.00019%); highest among the groups gnomAD compares: Admixed American, 0.005%; no homozygotes.

Submission:

Labcorp Genetics (formerly Invitae), Labcorp
Classification: Uncertain significance for Hereditary spastic paraplegia 11. Last evaluated: 2024-04-22. Review status: criteria provided, single submitter. Criteria: Invitae Variant Classification Sherloc (09022015). Collection method: clinical testing. Allele origin: germline.
Comment: This sequence change replaces glycine, which is neutral and non-polar, with valine, which is neutral and non-polar, at codon 294 of the SPG11 protein (p.Gly294Val). This variant is present in population databases (no rsID available, gnomAD 0.006%). This variant has not been reported in the literature in individuals affected with SPG11-related conditions. ClinVar contains an entry for this variant (Variation ID: 2071004). Advanced modeling of protein sequence and biophysical properties (such as structural, functional, and spatial information, amino acid conservation, physicochemical variation, residue mobility, and thermodynamic stability) performed at Invitae indicates that this missense variant is not expected to disrupt SPG11 protein function with a negative predictive value of 80%. In summary, the available evidence is currently insufficient to determine the role of this variant in disease. Therefore, it has been classified as a Variant of Uncertain Significance.

NM_025137.4(SPG11):c.881G>T (p.Gly294Val)

Gene: SPG11 (SPG11 vesicle trafficking associated, spatacsin; minus strand). Cytogenetic location: 15q21.1.
Variant type: single nucleotide variant.
Coding change: c.881G>T on transcript NM_025137.4 (MANE Select); coding-DNA position 881, G replaced by T.
Protein change: p.Gly294Val; replaces glycine 294 with valine.
Molecular consequence: missense variant.
Genome position (GRCh38, 1-based): chr15:44,652,255, C>A on the plus strand (G>T on the coding strand, the complement: SPG11 is on the minus strand). VCF-style: chr15-44652255-C-A. GRCh37 (hg19) VCF-style: chr15-44944453-C-A.
Other names: c.881G>T, p.Gly294Val (NM_001411132.1, NM_001160227.2); short protein forms G294V.
Identifiers: ClinVar variation 2071004 (VCV002071004.4), dbSNP rs1186320389, ClinGen allele CA392237078.